The following is an entry in ClinVar:

NM_002860.4(ALDH18A1):c.718-11C>G

Gene: ALDH18A1 (aldehyde dehydrogenase 18 family member A1; minus strand). Cytogenetic location: 10q24.1.
Variant type: single nucleotide variant.
Coding change: c.718-11C>G on transcript NM_002860.4 (MANE Select); 11 bases into the intron before coding-DNA position 718, C replaced by G.
Molecular consequence: intron variant.
Genome position (GRCh38, 1-based): chr10:95,633,060, G>C on the plus strand (C>G on the coding strand, the complement: ALDH18A1 is on the minus strand). VCF-style: chr10-95633060-G-C. GRCh37 (hg19) VCF-style: chr10-97392817-G-C.
Other names: c.82-11C>G (NM_001323419.2); c.385-11C>G (NM_001323412.2, NM_001323416.2); c.613-11C>G (NM_001323417.2); c.712-11C>G (NM_001017423.2, NM_001323415.2); c.379-11C>G (NM_001323418.2); c.718-11C>G (NM_001323413.2, NM_001323414.2).
Identifiers: ClinVar variation 3761692 (VCV003761692.2).

ClinVar aggregate classification (germline): Uncertain significance (1 of 4 stars; one submission).

Conditions:
Cutis laxa, autosomal dominant 3 (ADCL3). Identifiers: Orphanet 90348, MedGen C4225268, MONDO:0014706, OMIM 616603.
Autosomal dominant spastic paraplegia type 9. Identifiers: MedGen C1832669, MONDO:0015091.
de Barsy syndrome. Also called: Cutis laxa-corneal clouding-oligophrenia syndrome. Identifiers: Orphanet 2962, MedGen C0268354, MONDO:0017569.

gnomAD v4.1: 5 of 1,609,638 alleles (0.00031%); highest among the groups gnomAD compares: Non-Finnish European, 0.00043%; no homozygotes.

Submission:

Labcorp Genetics (formerly Invitae), Labcorp
Classification: Uncertain significance for Autosomal dominant spastic paraplegia type 9; de Barsy syndrome; Cutis laxa, autosomal dominant 3. Last evaluated: 2024-12-12. Review status: criteria provided, single submitter. Criteria: Invitae Variant Classification Sherloc (09022015). Collection method: clinical testing. Allele origin: germline.
Comment: This sequence change falls in intron 6 of the ALDH18A1 gene. It does not directly change the encoded amino acid sequence of the ALDH18A1 protein. This variant is present in population databases (no rsID available, gnomAD 0.0009%). This variant has not been reported in the literature in individuals affected with ALDH18A1-related conditions. Algorithms developed to predict the effect of sequence changes on RNA splicing suggest that this variant may disrupt the consensus splice site. In summary, the available evidence is currently insufficient to determine the role of this variant in disease. Therefore, it has been classified as a Variant of Uncertain Significance.